The following is an entry in ClinVar:

Conditions:
Breast-ovarian cancer, familial, susceptibility to, 1 (BROVCA1). Also called: BRCA1 Hereditary Breast and Ovarian Cancer; OVARIAN CANCER, SUSCEPTIBILITY TO. Identifiers: Orphanet 145, MedGen C2676676, MONDO:0011450, OMIM 604370. Disease mechanism: loss of function.

Submission:

Brotman Baty Institute, University of Washington
No classification provided (evidence only). Condition: Breast-ovarian cancer, familial 1. Review status: no classification provided. Collection method: in vitro. Allele origin: not applicable. Functional consequence: functionally_normal.
ClinVar note: "not provided" was previously submitted as the classification for the variant. However, the classification appeared to be based only on an observation of functional data so it was converted to no classification on 2025-07-30.

NM_007294.4(BRCA1):c.4982A>T (p.Glu1661Val)

Gene: BRCA1 (BRCA1 DNA repair associated; minus strand). Cytogenetic location: 17q21.31.
Variant type: single nucleotide variant.
Coding change: c.4982A>T on transcript NM_007294.4 (MANE Select); coding-DNA position 4982, A replaced by T.
Protein change: p.Glu1661Val; replaces glutamic acid 1661 with valine.
Molecular consequence: missense variant. On other transcripts: non-coding transcript variant (1).
Genome position (GRCh38, 1-based): chr17:43,070,932, T>A on the plus strand (A>T on the coding strand, the complement: BRCA1 is on the minus strand). VCF-style: chr17-43070932-T-A. GRCh37 (hg19) VCF-style: chr17-41222949-T-A.
Other names: c.4769A>T, p.Glu1590Val (NM_001407571.1, NM_001407895.1, NM_001407896.1 and 12 more transcripts); c.5048A>T, p.Glu1683Val (NM_001407581.1, NM_001407582.1); c.5045A>T, p.Glu1682Val (NM_001407583.1, NM_001407585.1, NM_001407587.1 and 1 more transcripts); c.5042A>T, p.Glu1681Val (NM_001407590.1, NM_001407591.1); c.4982A>T, p.Glu1661Val (NM_001407593.1, NM_001407594.1, NM_001407596.1 and 8 more transcripts); c.4979A>T, p.Glu1660Val (NM_001407610.1, NM_001407611.1, NM_001407612.1 and 17 more transcripts); c.4976A>T, p.Glu1659Val (NM_001407627.1, NM_001407628.1, NM_001407629.1 and 14 more transcripts); c.4973A>T, p.Glu1658Val (NM_001407644.1, NM_001407645.1); and 70 more; short protein forms E1614V, E1661V, E557V, E1682V, E1507V, E1548V, E1549V, E1571V.
Identifiers: ClinVar variation 868891 (VCV000868891.3), dbSNP rs2052355093, ClinGen allele CA10591560.